The following is an entry in ClinVar:

ClinVar aggregate classification (germline): Likely benign. Review status: criteria provided, multiple submitters, no conflicts (2 of 4 stars). 3 submissions from 3 submitters: Likely benign (3). Last evaluated 2025-08-01.

Conditions:
Neurofibromatosis, type 1 (NF1). Also called: Neurofibromatosis, type I; NEUROFIBROMATOSIS, TYPE I, SOMATIC; VON RECKLINGHAUSEN DISEASE; Peripheral type neurofibromatosis. Identifiers: Orphanet 636, MedGen C0027831, MONDO:0018975, OMIM 162200. Disease mechanism: loss of function.
Hereditary cancer-predisposing syndrome. Also called: Hereditary Cancer Syndrome; Tumor predisposition; Hereditary neoplastic syndrome; Neoplastic Syndromes, Hereditary. Identifiers: Orphanet 140162, MedGen C0027672, MeSH D009386, MONDO:0015356.
Cardiovascular phenotype. Identifiers: MedGen CN230736.

Allele frequency attached by ClinVar (database versions not stated): gnomAD 0.00001.
gnomAD v4.1: 1 of 1,612,792 alleles (0.000062%); highest among the groups gnomAD compares: Non-Finnish European, 0.000085%; no homozygotes.

Submissions (3):

CeGaT Center for Human Genetics Tuebingen
Classification: Likely benign. Last evaluated: 2025-08-01. Review status: criteria provided, single submitter. Criteria: CeGaT Center For Human Genetics Tuebingen Variant Classification Criteria Version 2. Collection method: clinical testing. Allele origin: germline. Affected: yes. Observed: 1 variant allele.
Comment: NF1: BP4, BP7

Labcorp Genetics (formerly Invitae), Labcorp
Classification: Likely benign for Neurofibromatosis, type 1. Last evaluated: 2024-01-21. Review status: criteria provided, single submitter. Criteria: Invitae Variant Classification Sherloc (09022015). Collection method: clinical testing. Allele origin: germline.

Ambry Genetics
Classification: Likely benign for Cardiovascular phenotype; Hereditary cancer-predisposing syndrome. Last evaluated: 2020-06-26. Review status: criteria provided, single submitter. Criteria: Ambry Variant Classification Scheme 2023. Collection method: clinical testing. Allele origin: germline.

NM_001042492.3(NF1):c.81G>A (p.Gln27=)

Gene: NF1 (neurofibromin 1; plus strand). Cytogenetic location: 17q11.2.
Variant type: single nucleotide variant.
Coding change: c.81G>A on transcript NM_001042492.3 (MANE Select); coding-DNA position 81, G replaced by A.
Protein change: p.Gln27=; no amino-acid change (glutamine 27 retained).
Molecular consequence: synonymous variant.
Genome position (GRCh38, 1-based): chr17:31,156,003, G>A. VCF-style: chr17-31156003-G-A. GRCh37 (hg19) VCF-style: chr17-29483021-G-A.
Other names: c.81G>A, p.Gln27= (NM_001128147.3, NM_000267.4).
Identifiers: ClinVar variation 759242 (VCV000759242.20), dbSNP rs1597625846, ClinGen allele CA499232492.
Genomic context (GRCh38, chr17:31,156,003, plus strand): 5'-GATAAGCTGTTAACGTGTTTTTTTTTTCTTTTTTTTTCAGCTTCCAATAAAAACAGGACA[G>A]CAGAACACACATACCAAAGTCAGTACTGAGCACAACAAGGAATGTCTAATCAATATTTCC-3'
Protein context (NP_001035957.1, residues 17-37): FDEQLPIKTG[Gln27=]QNTHTKVSTE